The following is an entry in ClinVar:

ClinVar aggregate classification (germline): Conflicting classifications of pathogenicity. Review status: criteria provided, conflicting classifications (1 of 4 stars). 17 submissions from 17 submitters: Uncertain significance (1); Benign (6); Likely benign (9). 1 of the submissions does not count toward it. Last evaluated 2026-02-03.

Conditions:
Immunodeficiency 120. Identifiers: MedGen C5935622, MONDO:0970994, OMIM 620836.
Mandibular hypoplasia-deafness-progeroid syndrome. Also called: Mandibular hypoplasia, deafness, progeroid features, and lipodystrophy syndrome. Identifiers: Orphanet 363649, MedGen C3715192, MONDO:0014157, OMIM 615381.
POLD1-related polyposis and colorectal cancer syndrome (CRCS10). Also called: Colorectal cancer 10; Colorectal cancer, susceptibility to, 10; COLORECTAL CANCER, SUSCEPTIBILITY TO, ON CHROMOSOME 19q. Identifiers: Orphanet 220460, MedGen C2675481, MONDO:0012953, OMIM 612591.
POLD1-related disorder. Also called: POLD1-related disorders; POLD1-related condition.
Hereditary cancer-predisposing syndrome. Also called: Neoplastic Syndromes, Hereditary; Hereditary Cancer Syndrome; Tumor predisposition; Hereditary neoplastic syndrome. Identifiers: Orphanet 140162, MedGen C0027672, MeSH D009386, MONDO:0015356.

Allele frequency attached by ClinVar (database versions not stated): gnomAD exomes 0.00024 and 0.00051; ExAC 0.00060; gnomAD 0.00175 and 0.00176; ESP Exome Variant Server 0.00177; TOPMed 0.00198; 1000 Genomes Project 30x 0.00390; 1000 Genomes Project 0.00399.

Submissions (17):

Labcorp Genetics (formerly Invitae), Labcorp
Classification: Benign for POLD1-related polyposis and colorectal cancer syndrome. Last evaluated: 2026-02-03. Review status: criteria provided, single submitter. Criteria: Invitae Variant Classification Sherloc (09022015). Collection method: clinical testing. Allele origin: germline.

Dasa
Classification: Likely benign. Last evaluated: 2025-12-30. Review status: criteria provided, single submitter. Criteria: DASA Assertion Criteria. Collection method: clinical testing. Allele origin: germline.
Comment: NM_002691.4(POLD1):c.773C>T (p.Thr258Met) is a missense variant that results in the substitution of threonine with methionine. Population frequency is inconsistent with a disease-causing role for this variant, observations in unaffected individuals support a benign interpretation, and the variant context is inconsistent with a known disease-causing mechanism. Computational prediction algorithms are consistent with a benign effect. Therefore, based on the currently available evidence, this variant is classified as likely benign.

Center for Genomic Medicine, Rigshospitalet, Copenhagen University Hospital
Classification: Benign. Last evaluated: 2025-12-29. Review status: criteria provided, single submitter. Criteria: ACMG Guidelines, 2015. Collection method: clinical testing. Allele origin: germline.
Comment: Classification criteria: BA1

CeGaT Center for Human Genetics Tuebingen
Classification: Likely benign. Last evaluated: 2025-09-01. Review status: criteria provided, single submitter. Criteria: CeGaT Center For Human Genetics Tuebingen Variant Classification Criteria Version 2. Collection method: clinical testing. Allele origin: germline. Affected: yes. Observed: 2 variant alleles.
Comment: POLD1: BP4, BS1

Genomic Medicine Center of Excellence, King Faisal Specialist Hospital and Research Centre
Classification: Likely benign. Last evaluated: 2025-08-18. Review status: criteria provided, single submitter. Criteria: ACMG Guidelines, 2015. Collection method: clinical testing. Allele origin: germline.

ARUP Laboratories, Molecular Genetics and Genomics, ARUP Laboratories
Classification: Likely benign. Last evaluated: 2024-12-31. Review status: criteria provided, single submitter. Criteria: ARUP Molecular Germline Variant Investigation Process 2024. Collection method: clinical testing. Allele origin: germline.

Blueprint Genetics
Classification: Likely benign. Last evaluated: 2024-11-12. Review status: criteria provided, single submitter. Criteria: ACMG Guidelines, 2015. Collection method: clinical testing. Allele origin: germline.

Ambry Genetics
Classification: Benign for Hereditary cancer-predisposing syndrome. Last evaluated: 2024-08-20. Review status: criteria provided, single submitter. Criteria: Ambry Variant Classification Scheme 2023. Collection method: clinical testing. Allele origin: germline.

Department of Pathology and Laboratory Medicine, Sinai Health System
Classification: Uncertain significance for POLD1-related polyposis and colorectal cancer syndrome; Mandibular hypoplasia-deafness-progeroid syndrome; Immunodeficiency 120. Last evaluated: 2024-02-21. Review status: criteria provided, single submitter. Criteria: ACMG Guidelines, 2015. Collection method: clinical testing. Allele origin: germline. Affected: yes.

Women's Health and Genetics/Laboratory Corporation of America, LabCorp
Classification: Likely benign. Last evaluated: 2023-07-29. Review status: criteria provided, single submitter. Criteria: LabCorp Variant Classification Summary - May 2015. Collection method: clinical testing. Allele origin: germline.

KCCC/NGS Laboratory, Kuwait Cancer Control Center
Classification: Benign for POLD1-related polyposis and colorectal cancer syndrome. Last evaluated: 2023-07-07. Review status: criteria provided, single submitter. Criteria: ACMG Guidelines, 2015. Collection method: clinical testing. Allele origin: germline. Affected: yes.

Sema4
Classification: Benign for Hereditary cancer-predisposing syndrome. Last evaluated: 2020-11-25. Review status: criteria provided, single submitter. Criteria: Sema4 Curation Guidelines. Collection method: curation. Allele origin: germline.

GeneDx
Classification: Likely benign. Last evaluated: 2020-10-06. Review status: criteria provided, single submitter. Criteria: GeneDx Variant Classification Process June 2021. Collection method: clinical testing. Allele origin: germline. Affected: yes.

Mendelics
Classification: Likely benign for POLD1-related polyposis and colorectal cancer syndrome. Last evaluated: 2019-05-28. Review status: criteria provided, single submitter. Criteria: Mendelics Assertion Criteria 2017. Collection method: clinical testing. Allele origin: unknown.

Quest Diagnostics Nichols Institute San Juan Capistrano
Classification: Benign. Last evaluated: 2018-04-24. Review status: criteria provided, single submitter. Criteria: Quest Diagnostics criteria. Collection method: clinical testing. Allele origin: unknown.

Breakthrough Genomics
Classification: Likely benign. Review status: criteria provided, single submitter. Criteria: ACMG Guidelines, 2015. Collection method: not provided. Allele origin: germline. Inheritance: Autosomal dominant inheritance. Affected: yes.

PreventionGenetics, part of Exact Sciences
Classification: Benign for POLD1-related condition. Last evaluated: 2019-03-15. Review status: no assertion criteria provided. Collection method: clinical testing. Allele origin: germline. Not counted in ClinVar's aggregate classification.
Comment: This variant is classified as benign based on ACMG/AMP sequence variant interpretation guidelines (Richards et al. 2015 PMID: 25741868, with internal and published modifications).

NM_002691.4(POLD1):c.773C>T (p.Thr258Met)

Gene: POLD1 (DNA polymerase delta 1, catalytic subunit; plus strand). Cytogenetic location: 19q13.33.
Variant type: single nucleotide variant.
Coding change: c.773C>T on transcript NM_002691.4 (MANE Select); coding-DNA position 773, C replaced by T.
Protein change: p.Thr258Met; replaces threonine 258 with methionine.
Molecular consequence: missense variant. On other transcripts: non-coding transcript variant (1).
Genome position (GRCh38, 1-based): chr19:50,402,468, C>T. VCF-style: chr19-50402468-C-T. GRCh37 (hg19) VCF-style: chr19-50905725-C-T.
Other names: c.773C>T, p.Thr258Met (NM_001256849.1, NM_001308632.1); c.773C>T (NM_002691.2); short protein forms T258M.
Identifiers: ClinVar variation 221166 (VCV000221166.63), dbSNP rs76131127, ClinGen allele CA350135.
Genomic context (GRCh38, chr19:50,402,468, plus strand): 5'-CCCACCCTCGGGCAGCCCCTGTCCACTGACCCCCAGCCCCCTCCAGGTTCATGGTGGACA[C>T]GGACATCGTCGGCTGCAACTGGCTGGAGCTCCCAGCTGGGAAATACGCCCTGAGGCTGAA-3'
Protein context (NP_002682.2, residues 248-268): VDFEIRFMVD[Thr258Met]DIVGCNWLEL